The following is an entry in ClinVar:

ClinVar aggregate classification (germline): Pathogenic/Likely pathogenic. Review status: criteria provided, multiple submitters, no conflicts (2 of 4 stars). 18 submissions from 18 submitters: Pathogenic (11); Likely pathogenic (3). 4 of the submissions do not count toward it. Last evaluated 2026-04-24.

Conditions:
SLC13A5-related disorder. Also called: SLC13A5-related condition.
Developmental and epileptic encephalopathy, 25 (DEE25). Also called: Epileptic encephalopathy, early infantile, 25; Developmental and epileptic encephalopathy 25, with amelogenesis imperfecta; Epileptic encephalopathy, early infantile, 25, with amelogenesis imperfecta. Identifiers: Orphanet 442835, MedGen C4014621, MONDO:0014392, OMIM 615905.
Inborn genetic diseases. Identifiers: MedGen C0950123, MeSH D030342.

Allele frequency attached by ClinVar (database versions not stated): gnomAD 0.00008 and 0.00009; TOPMed 0.00012; gnomAD exomes 0.00016 and 0.00019; ExAC 0.00021.
gnomAD v4.1: 291 of 1,614,092 alleles (0.018%); highest among the groups gnomAD compares: Non-Finnish European, 0.022%; no homozygotes.

Submissions (18):

PreventionGenetics, part of Exact Sciences
Classification: Pathogenic for SLC13A5-related condition. Last evaluated: 2026-04-24. Review status: criteria provided, single submitter. Criteria: ACMG Guidelines, 2015. Collection method: clinical testing. Allele origin: germline.
Comment: The SLC13A5 c.655G>A variant is predicted to result in the amino acid substitution p.Gly219Arg. This variant is among the most common SLC13A5 pathogenic variants reported in association with developmental and epileptic encephalopathy 25. Several patients have been reported harboring homozygous and compound heterozygous variants, and autosomal recessive co-segregation is reported in multiple families (See for example, Thevenon et al 2014. PubMed ID: 24995870; Klotz et al 2016. PubMed ID: 27261973; Yang et al 2020. PubMed ID: 32551328). In vitro studies indicate that this variant has strongly reduced transporter activity (Klotz et al. 2016. PubMed ID: 27261973). This variant is reported in 0.027% of alleles in individuals of European (Non-Finnish) descent in gnomAD. This variant is interpreted as pathogenic.

Labcorp Genetics (formerly Invitae), Labcorp
Classification: Pathogenic for Developmental and epileptic encephalopathy, 25. Last evaluated: 2026-02-02. Review status: criteria provided, single submitter. Criteria: Invitae Variant Classification Sherloc (09022015). Collection method: clinical testing. Allele origin: germline.
Comment: This sequence change replaces glycine, which is neutral and non-polar, with arginine, which is basic and polar, at codon 219 of the SLC13A5 protein (p.Gly219Arg). This variant is present in population databases (rs144332569, gnomAD 0.03%). This missense change has been observed in individuals with autosomal recessive epileptic encephalopathy (PMID: 24995870, 26384929, 26960556, 27261973). It has also been observed to segregate with disease in related individuals. ClinVar contains an entry for this variant (Variation ID: 140752). Invitae Evidence Modeling of protein sequence and biophysical properties (such as structural, functional, and spatial information, amino acid conservation, physicochemical variation, residue mobility, and thermodynamic stability) indicates that this missense variant is expected to disrupt SLC13A5 protein function with a positive predictive value of 80%. Experimental studies have shown that this missense change affects SLC13A5 function (PMID: 26384929, 27261973). For these reasons, this variant has been classified as Pathogenic.

Blueprint Genetics
Classification: Pathogenic for SLC13A5-related disorders. Last evaluated: 2024-10-14. Review status: criteria provided, single submitter. Criteria: ACMG Guidelines, 2015. Collection method: clinical testing. Allele origin: germline. Affected: yes. Observed: 5 variant alleles.

Baylor Genetics
Classification: Pathogenic for Developmental and epileptic encephalopathy, 25. Last evaluated: 2023-01-05. Review status: criteria provided, single submitter. Criteria: ACMG Guidelines, 2015. Collection method: clinical testing. Allele origin: unknown.

Laboratory of Medical Genetics, University of Torino
Classification: Pathogenic for Developmental and epileptic encephalopathy, 25. Last evaluated: 2022-11-29. Review status: criteria provided, single submitter. Criteria: ACMG Guidelines, 2015. Collection method: research. Allele origin: germline. Affected: yes. Study: NeuroWES.

Broad Center for Mendelian Genomics, Broad Institute of MIT and Harvard
Classification: Pathogenic for Developmental and epileptic encephalopathy, 25. Last evaluated: 2021-11-02. Review status: criteria provided, single submitter. Criteria: ACMG Guidelines, 2015. Collection method: curation. Allele origin: germline. Inheritance: Autosomal recessive inheritance.
Comment: The p.Gly219Arg variant in SLC13A5 has been reported in many individuals with developmental and epileptic encephalopathy (PMID: 26384929, 24995870, 27261973, 27913086, 31216405, 32551328, TESS cohort), segregated with disease in 8 affected relatives from 7 families (PMID: 26384929, 24995870, 27261973, 27913086, TESS cohort), and has been identified in 0.03% (31/113680) of European (Non-Finnish) chromosomes by the Genome Aggregation Database (gnomAD; dbSNP ID: rs144332569). Although this variant has been seen in the general population in a heterozygous state, its frequency is not high enough to rule out a pathogenic role. Of the affected individuals, 2 were homozygotes and 1 was a compound heterozygote that carried a reported pathogenic variant in trans, which increases the likelihood that the p.Gly219Arg variant is pathogenic (VariationID: 218173, PMID: 26384929, 27261973, 27913086). This variant has also been reported in ClinVar (Variation ID#: 140752) and has been interpreted as likely pathogenic or pathogenic by multiple submitters. In vitro functional studies provide some evidence that the p.Gly219Arg variant may impact protein function (PMID: 26384929, 27261973). However, these types of assays may not accurately represent biological function. Computational prediction tools and conservation analyses suggest that this variant may impact the protein, though this information is not predictive enough to determine pathogenicity. In summary, this variant meets criteria to be classified as pathogenic for autosomal recessive developmental and epileptic encephalopathy. ACMG/AMP Criteria applied: PP1_strong, PM3_strong, PP3, PS3_moderate (Richards 2015).

Genome-Nilou Lab
Classification: Likely pathogenic for Developmental and epileptic encephalopathy, 25. Last evaluated: 2021-07-15. Review status: criteria provided, single submitter. Criteria: ACMG Guidelines, 2015. Collection method: clinical testing. Allele origin: germline. Affected: no.

CeGaT Center for Human Genetics Tuebingen
Classification: Pathogenic. Last evaluated: 2020-08-01. Review status: criteria provided, single submitter. Criteria: CeGaT Center For Human Genetics Tuebingen Variant Classification Criteria Version 2. Collection method: clinical testing. Allele origin: germline. Affected: yes. Observed: 1 variant allele.

Institute of Human Genetics Munich, TUM University Hospital
Classification: Pathogenic for Developmental and epileptic encephalopathy, 25. Last evaluated: 2019-06-11. Review status: criteria provided, single submitter. Criteria: Classification criteria August 2017. Collection method: clinical testing. Allele origin: germline. Inheritance: Autosomal recessive inheritance. Affected: yes. Observed: 1 compound heterozygote.

Mendelics
Classification: Pathogenic for Developmental and epileptic encephalopathy, 25. Last evaluated: 2019-05-28. Review status: criteria provided, single submitter. Criteria: Mendelics Assertion Criteria 2017. Collection method: clinical testing. Allele origin: unknown.

Fulgent Genetics
Classification: Likely pathogenic for Developmental and epileptic encephalopathy, 25. Last evaluated: 2018-10-31. Review status: criteria provided, single submitter. Criteria: ACMG Guidelines, 2015. Collection method: clinical testing. Allele origin: unknown.

Ambry Genetics
Classification: Likely pathogenic for Inborn genetic diseases. Last evaluated: 2017-06-23. Review status: criteria provided, single submitter. Criteria: Ambry Variant Classification Scheme 2023. Collection method: clinical testing. Allele origin: germline.
Comment: The p.G219R variant (also known as c.655G>A), located in coding exon 5 of the SLC13A5 gene, results from a G to A substitution at nucleotide position 655. The glycine at codon 219 is replaced by arginine, an amino acid with dissimilar properties. This alteration has been reported in homozygotes and compound heterozygotes with autosomal recessive early infantile epileptic encephalopathy (Thevenon J et al. Am. J. Hum. Genet., 2014 Jul;95:113-20; Klotz J et al. Mol. Med., 2016 May;22:310-321; Anselm I et al. JIMD Rep, 2017 Mar;31:107-111; Eldomery MK et al. Genome Med, 2017 Mar;9:26; Weeke LC et al. Eur. J. Paediatr. Neurol., 2017 Mar;21:396-403). Functional studies suggest that this alteration affects the transport activities of the protein (Klotz J et al. Mol. Med., 2016 May;22:310-321). This amino acid position is highly conserved in available vertebrate species. In addition, the in silico prediction for this alteration is inconclusive. Based on the majority of available evidence to date, this variant is likely to be pathogenic.

Equipe Genetique des Anomalies du Developpement, Université de Bourgogne
Classification: Pathogenic for Developmental and epileptic encephalopathy, 25. Last evaluated: 2014-01-01. Review status: criteria provided, single submitter. Criteria: ACMG Guidelines, 2007. Collection method: clinical testing. Allele origin: inherited. Affected: yes.

Juno Genomics, Hangzhou Juno Genomics, Inc
Classification: Pathogenic for Developmental and epileptic encephalopathy, 25. Review status: criteria provided, single submitter. Criteria: ACMG Guidelines, 2015. Collection method: clinical testing. Allele origin: germline.
Comment: Absent from controls (or at extremely low frequency if recessive) in Genome Aggregation Database.;Multiple lines of computational evidence support a deleterious effect on the gene or gene product.;For recessive disorders, detected in trans with a pathogenic variant.

Biochemical Molecular Genetic Laboratory, King Abdulaziz Medical City
Classification: Pathogenic for Developmental and epileptic encephalopathy, 25. Last evaluated: 2019-09-26. Review status: no assertion criteria provided. Collection method: clinical testing. Allele origin: germline. Affected: yes. Not counted in ClinVar's aggregate classification.

OMIM
Classification: Pathogenic for DEVELOPMENTAL AND EPILEPTIC ENCEPHALOPATHY 25 WITH AMELOGENESIS IMPERFECTA. Last evaluated: 2015-11-01. Review status: no assertion criteria provided. Collection method: literature only. Allele origin: germline. Not counted in ClinVar's aggregate classification.

Hong-Tao Li Lab, Institute of Brain Science and Brain-inspired Research, Shandong First Medical University & Shandong Academy of Medical Sciences China
Classification: Pathogenic for Developmental and epileptic encephalopathy, 25. Review status: no assertion criteria provided. Collection method: research. Allele origin: germline. Inheritance: Autosomal recessive inheritance. Affected: yes. Observed: 1 variant allele, 1 homozygote. Not counted in ClinVar's aggregate classification.
Comment: Observed in affected individuals from a Pakistani neurodevelopmental-disorder research cohort of 263 individuals. Classification assigned using the ACMG/AMP framework. Population-frequency evidence: gnomAD AF 0.0001552.

Lupski Lab, Baylor-Hopkins CMG, Baylor College of Medicine
Classification: Pathogenic for Developmental and epileptic encephalopathy, 25. Review status: no assertion criteria provided. Collection method: research. Allele origin: germline. Inheritance: Autosomal recessive inheritance. Affected: yes. Not counted in ClinVar's aggregate classification.

Literature cited by the submitters: PubMed 24995870 (cited by 3 submitters); PubMed 26384929 (cited by Labcorp Genetics (formerly Invitae), Labcorp and OMIM); PubMed 26960556 (cited by Labcorp Genetics (formerly Invitae), Labcorp and Ambry Genetics); PubMed 27261973 (cited by Labcorp Genetics (formerly Invitae), Labcorp and Ambry Genetics); PubMed 27913086 (cited by Ambry Genetics); PubMed 28327206 (cited by Ambry Genetics).

NM_177550.5(SLC13A5):c.655G>A (p.Gly219Arg)

Gene: SLC13A5 (solute carrier family 13 member 5; minus strand). Cytogenetic location: 17p13.1.
Variant type: single nucleotide variant.
Coding change: c.655G>A on transcript NM_177550.5 (MANE Select); coding-DNA position 655, G replaced by A.
Protein change: p.Gly219Arg; replaces glycine 219 with arginine.
Molecular consequence: missense variant.
Genome position (GRCh38, 1-based): chr17:6,703,031, C>T on the plus strand (G>A on the coding strand, the complement: SLC13A5 is on the minus strand). VCF-style: chr17-6703031-C-T. GRCh37 (hg19) VCF-style: chr17-6606350-C-T.
Other names: SLC13A5, GLY219ARG (rs144332569); NM_177550.4(SLC13A5):c.655G>A; p.Gly219Arg; c.655G>A, p.Gly219Arg (NM_001143838.3); c.604G>A, p.Gly202Arg (NM_001284509.2); c.526G>A, p.Gly176Arg (NM_001284510.2); short protein forms G219R, G176R, G202R.
Identifiers: ClinVar variation 140752 (VCV000140752.67), dbSNP rs144332569, ClinGen allele CA210665.